The following is an entry in ClinVar:

ClinVar aggregate classification (germline): Pathogenic. Review status: reviewed by expert panel (3 of 4 stars). 6 submissions from 6 submitters: Pathogenic (1). 5 of the submissions do not count toward it. Last evaluated 2025-07-29.

Conditions:
Miyoshi muscular dystrophy 1 (MMD1). Identifiers: Orphanet 45448, MedGen C4551973, MONDO:0024545, OMIM 254130.
Distal myopathy with anterior tibial onset. Identifiers: Orphanet 178400, MedGen C1847532, MONDO:0011721, OMIM 606768.
Autosomal recessive limb-girdle muscular dystrophy type 2B (LGMDR2). Also called: MUSCULAR DYSTROPHY, LIMB-GIRDLE, AUTOSOMAL RECESSIVE 2; MUSCULAR DYSTROPHY, LIMB-GIRDLE, TYPE 3; Limb-Girdle Muscular Dystrophy Type 2B (LGMD2B); Limb-girdle muscular dystrophy, type 2B. Identifiers: Orphanet 268, MedGen C1850889, MONDO:0009676, OMIM 253601.
Neuromuscular disease caused by qualitative or quantitative defects of dysferlin. Also called: Dysferlinopathy; Qualitative or quantitative defects of dysferlin. Identifiers: Orphanet 207073, MedGen C2931687, MONDO:0016145.
Autosomal recessive limb-girdle muscular dystrophy. Identifiers: Orphanet 102015, MedGen C2931907, MONDO:0015152.

Submissions (6):

ClinGen Limb Girdle Muscular Dystrophy Variant Curation Expert Panel, ClinGen
Classification: Pathogenic for Autosomal recessive limb-girdle muscular dystrophy. Last evaluated: 2025-07-29. Review status: reviewed by expert panel. Criteria: ClinGen LGMD VCEP ACMG Specifications DYSF V1.0.0. Collection method: curation. Allele origin: germline. Inheritance: Autosomal recessive inheritance.
Comment: The NM_003494.4: c.1375dup p.(Met459AsnfsTer15) variant in DYSF, which is also known as c.1471dup p.(Met491AsnfsTer15), is a frameshift variant predicted to cause a premature stop codon in biologically relevant exon 16/55, leading to nonsense mediated decay in a gene in which loss of function is an established disease mechanism (PVS1). This variant has been identified in at least 16 unrelated individuals with LGMD (PMID: 27647186, 34559919; LOVD DYSF_000363), including in a homozygous state in two patients from China (0.5 pts, PMID: 34559919) and in unknown phase with a pathogenic variant in one patient (NM_003494.4: c.3137G>A p.(Arg1064His), 0.5 pts, PMID: 27647186, 34559919) (PM3). At least one patient with this variant and a second presumed diagnostic DYSF variant had a clinical suspicion of LGMD or progressive limb girdle muscle weakness observed over 6 months (PMID: 27647186, 34559919; PP4). The highest allele frequency for this variant in gnomAD v4.1.0 is 0.00004458 (2/44868 East Asian chromosomes), which is lower than the LGMC VCEP threshold for PM2_Supporting (0.0001), meeting this criterion (PM2_Supporting). In summary, this variant meets the criteria to be classified as Pathogenic for autosomal recessive limb girdle muscular dystrophy based on the ACMG/AMP criteria applied, as specified by the ClinGen LGMD VCEP (LGMD VCEP specifications version 1.0.0; 07/29/2025): PVS1, PM3, PP4, PM2_Supporting.

Natera, Inc.
Classification: Pathogenic for Limb-girdle muscular dystrophy type 2B. Last evaluated: 2024-06-28. Review status: criteria provided, single submitter. Criteria: Natera Variant Classification Schema (03/2026). Collection method: clinical testing. Allele origin: germline. Not counted in ClinVar's aggregate classification.
Comment: The c.1375dupA variant in DYSF is a frameshift variant predicted to shift the reading frame beginning at codon 459 and leads to a stop codon 15 codons downstream. This variant is expected to result in nonsense mediated decay, truncation, or a dysfunctional protein product. This variant is rare in the general population with a frequency below the threshold expected for the associated phenotype(s). This variant has been observed in one or more individuals affected with the associated recessive disease, as either homozygous or compound heterozygous with a second variant (PMID: 25987458). Given the available evidence, this variant is classified as Pathogenic.

Labcorp Genetics (formerly Invitae), Labcorp
Classification: Pathogenic for Neuromuscular disease caused by qualitative or quantitative defects of dysferlin. Last evaluated: 2024-02-18. Review status: criteria provided, single submitter. Criteria: Invitae Variant Classification Sherloc (09022015). Collection method: clinical testing. Allele origin: germline. Not counted in ClinVar's aggregate classification.
Comment: This sequence change creates a premature translational stop signal (p.Met459Asnfs*15) in the DYSF gene. It is expected to result in an absent or disrupted protein product. Loss-of-function variants in DYSF are known to be pathogenic (PMID: 17698709, 20301480). This variant is not present in population databases (gnomAD no frequency). This premature translational stop signal has been observed in individual(s) with dysferlinopathy (PMID: 25591676, 27647186, 29797799, 30107846). This variant is also known as c.1370dupA. ClinVar contains an entry for this variant (Variation ID: 550946). For these reasons, this variant has been classified as Pathogenic.

Baylor Genetics
Classification: Pathogenic for Miyoshi muscular dystrophy 1. Last evaluated: 2023-11-22. Review status: criteria provided, single submitter. Criteria: ACMG Guidelines, 2015. Collection method: clinical testing. Allele origin: unknown. Not counted in ClinVar's aggregate classification.

Juno Genomics, Hangzhou Juno Genomics, Inc
Classification: Pathogenic for Miyoshi muscular dystrophy 1; Autosomal recessive limb-girdle muscular dystrophy type 2B; Distal myopathy with anterior tibial onset. Review status: criteria provided, single submitter. Criteria: ACMG Guidelines, 2015. Collection method: clinical testing. Allele origin: germline. Not counted in ClinVar's aggregate classification.
Comment: Absent from controls (or at extremely low frequency if recessive) in Genome Aggregation Database.;Null variant in a gene where loss of function (LOF) is a known mechanism of disease.;For recessive disorders, detected in trans with a pathogenic variant.

Counsyl
Classification: Pathogenic for Autosomal recessive limb-girdle muscular dystrophy type 2B. Last evaluated: 2017-03-22. Review status: no assertion criteria provided. Collection method: clinical testing. Allele origin: unknown. Not counted in ClinVar's aggregate classification.

Literature cited by the submitters: PubMed 25987458 (cited by Natera, Inc.); PubMed 17698709 (cited by Labcorp Genetics (formerly Invitae), Labcorp); PubMed 20301480 (cited by Labcorp Genetics (formerly Invitae), Labcorp); PubMed 25591676 (cited by Labcorp Genetics (formerly Invitae), Labcorp); PubMed 27647186 (cited by Labcorp Genetics (formerly Invitae), Labcorp and Counsyl); PubMed 29797799 (cited by Labcorp Genetics (formerly Invitae), Labcorp); PubMed 30107846 (cited by Labcorp Genetics (formerly Invitae), Labcorp).

NM_001130987.2(DYSF):c.1471dup (p.Met491fs)

Gene: DYSF (dysferlin; plus strand). Cytogenetic location: 2p13.2.
Variant type: Duplication.
Coding change: c.1471dup on transcript NM_001130987.2 (MANE Select); coding-DNA position 1471, one base duplicated (A; older notation c.1471dupA).
Protein change: p.Met491fs; shifts the reading frame from methionine 491.
Molecular consequence: frameshift variant.
Genome position (GRCh38, 1-based): chr2:71,535,289, A duplicated; the last of 6 consecutive A bases (chr2:71,535,284-71,535,289); duplicating any one gives the same sequence. VCF-style (leftmost placement, unchanged base first): chr2-71535283-G-GA. GRCh37 (hg19) VCF-style: chr2-71762413-G-GA.
Other names: NM_001130987.2(DYSF):c.1471dup; p.Met491fs; c.1378dup, p.Met460fs (NM_001130455.2, NM_001130983.2, NM_001130984.2 and 1 more transcripts); c.1375dup, p.Met459fs (NM_001130976.2, NM_001130977.2, NM_001130978.2 and 1 more transcripts); c.1468dup, p.Met490fs (NM_001130979.2, NM_001130980.2, NM_001130981.2); c.1471dup, p.Met491fs (NM_001130982.2, NM_001130985.2); c.1375dupA (NM_003494.3, NM_003494.4); short protein forms M459fs, M490fs, M460fs, M491fs.
Identifiers: ClinVar variation 550946 (VCV000550946.19), dbSNP rs1236367931, ClinGen allele CA658822438.